The following is an entry in ClinVar:

NM_018489.3(ASH1L):c.5576A>G (p.Gln1859Arg)

Gene: ASH1L (ASH1 like histone lysine methyltransferase; minus strand). Cytogenetic location: 1q22.
Variant type: single nucleotide variant.
Coding change: c.5576A>G on transcript NM_018489.3 (MANE Select); coding-DNA position 5576, A replaced by G.
Protein change: p.Gln1859Arg; replaces glutamine 1859 with arginine.
Molecular consequence: missense variant.
Genome position (GRCh38, 1-based): chr1:155,438,579, T>C on the plus strand (A>G on the coding strand, the complement: ASH1L is on the minus strand). VCF-style: chr1-155438579-T-C. GRCh37 (hg19) VCF-style: chr1-155408370-T-C.
Other names: c.5576A>G, p.Gln1859Arg (NM_001366177.2); short protein forms Q1859R.
Identifiers: ClinVar variation 3242150 (VCV003242150.1), dbSNP rs1662286516.
Genomic context (GRCh38, chr1:155,438,579, plus strand): 5'-CTGTTCAATTCTGGGTTGACAAACTGAGCAGCCTGGAATGCTTGCATTGATACGACAGCC[T>C]GAAGGGGACATTTCCGAGGTCGACCTGGCCTACGTTTCACAAAGTTATTCCCTGTCCTGG-3'
Protein context (NP_060959.2, residues 1849-1869): RPGRPRKCPL[Gln1859Arg]AVVSMQAFQA

ClinVar aggregate classification (germline): Uncertain significance (1 of 4 stars; one submission).

Conditions:
Intellectual developmental disorder, autosomal dominant 52. Also called: Intellectual disability, autosomal dominant 52; Mental retardation, autosomal dominant 52. Identifiers: MedGen C4540478, MONDO:0030918, OMIM 617796.

Allele frequency attached by ClinVar (database versions not stated): gnomAD exomes below 0.00001.
gnomAD v4.1: 2 of 1,614,168 alleles (0.00012%); highest among the groups gnomAD compares: Non-Finnish European, 0.000085%; no homozygotes.

Submission:

Neuberg Centre For Genomic Medicine, NCGM
Classification: Uncertain significance for Intellectual developmental disorder, autosomal dominant 52. Review status: criteria provided, single submitter. Criteria: ACMG Guidelines, 2015. Collection method: clinical testing. Allele origin: germline. Inheritance: Autosomal dominant inheritance. Affected: yes.
Comment: The observed missense c.5576A>G(p.Gln1859Arg) variant in ASH1L gene has not been reported previously as a pathogenic variant nor as a benign variant, to our knowledge. The p.Gln1859Arg variant is absent in gnomAD Exomes database. This variant has not been submitted to the ClinVar database. The amino acid change p.Gln1859Arg in ASH1L is predicted as conserved by GERP++ and PhyloP across 100 vertebrates. The amino acid Gln at position 1859 is changed to a Arg changing protein sequence and it might alter its composition and physico-chemical properties. Computational evidence (Polyphen - possibly damaging, SIFT - Tolerated, and MutationTaster - disease causing) predicts conflicting evidence on protein structure and function for this variant. For these reasons, this variant has been classified as Variant of Uncertain Significance (VUS).